The following is an entry in ClinVar:

NM_005876.5(SPEG):c.800C>A (p.Ala267Glu)

Gene: SPEG (striated muscle enriched protein kinase; plus strand). Cytogenetic location: 2q35.
Variant type: single nucleotide variant.
Coding change: c.800C>A on transcript NM_005876.5 (MANE Select); coding-DNA position 800, C replaced by A.
Protein change: p.Ala267Glu; replaces alanine 267 with glutamic acid.
Molecular consequence: missense variant.
Genome position (GRCh38, 1-based): chr2:219,445,146, C>A. VCF-style: chr2-219445146-C-A. GRCh37 (hg19) VCF-style: chr2-220309868-C-A.
Other names: short protein forms A267E.
Identifiers: ClinVar variation 1352633 (VCV001352633.9), dbSNP rs762057369, ClinGen allele CA350713182.

ClinVar aggregate classification (germline): Uncertain significance. Review status: criteria provided, multiple submitters, no conflicts (2 of 4 stars). 2 submissions from 2 submitters: Uncertain significance (2). Last evaluated 2025-10-02.

Conditions:
Myopathy, centronuclear, 5 (CNM5). Identifiers: Orphanet 169186, MedGen C4014814, MONDO:0014418, OMIM 615959.

gnomAD v4.1: 1 of 1,576,340 alleles (0.000063%); highest among the groups gnomAD compares: Non-Finnish European, 0.000086%; no homozygotes.

Submissions (2):

Labcorp Genetics (formerly Invitae), Labcorp
Classification: Uncertain significance. Last evaluated: 2025-10-02. Review status: criteria provided, single submitter. Criteria: Invitae Variant Classification Sherloc (09022015). Collection method: clinical testing. Allele origin: germline.
Comment: This sequence change replaces alanine, which is neutral and non-polar, with glutamic acid, which is acidic and polar, at codon 267 of the SPEG protein (p.Ala267Glu). This variant is not present in population databases (gnomAD no frequency). This variant has not been reported in the literature in individuals affected with SPEG-related conditions. ClinVar contains an entry for this variant (Variation ID: 1352633). An algorithm developed to predict the effect of missense changes on protein structure and function (PolyPhen-2) suggests that this variant is likely to be disruptive. In summary, the available evidence is currently insufficient to determine the role of this variant in disease. Therefore, it has been classified as a Variant of Uncertain Significance.

Fulgent Genetics
Classification: Uncertain significance for Myopathy, centronuclear, 5. Last evaluated: 2021-08-04. Review status: criteria provided, single submitter. Criteria: ACMG Guidelines, 2015. Collection method: clinical testing. Allele origin: unknown.